The following is an entry in ClinVar:

NM_000543.5(SMPD1):c.1289C>T (p.Pro430Leu)

Gene: SMPD1 (sphingomyelin phosphodiesterase 1; plus strand). Cytogenetic location: 11p15.4.
Variant type: single nucleotide variant.
Coding change: c.1289C>T on transcript NM_000543.5 (MANE Select); coding-DNA position 1289, C replaced by T.
Protein change: p.Pro430Leu; replaces proline 430 with leucine.
Molecular consequence: missense variant. On other transcripts: non-coding transcript variant (2).
Genome position (GRCh38, 1-based): chr11:6,393,642, C>T. VCF-style: chr11-6393642-C-T. GRCh37 (hg19) VCF-style: chr11-6414872-C-T.
Other names: c.1286C>T, p.Pro429Leu (NM_001007593.3); c.1289C>T, p.Pro430Leu (NM_001318087.2); c.368C>T, p.Pro123Leu (NM_001318088.2); c.1157C>T, p.Pro386Leu (NM_001365135.2); short protein forms P386L, P429L, P123L, P430L.
Identifiers: ClinVar variation 2947702 (VCV002947702.3), dbSNP rs766945871, ClinGen allele CA379374307.

ClinVar aggregate classification (germline): Likely pathogenic (1 of 4 stars; one submission).

Conditions:
Niemann-Pick disease, type A. Also called: SPHINGOMYELIN LIPIDOSIS; SPHINGOMYELINASE DEFICIENCY; Infantile Neurovisceral ASMD (Niemann-Pick Disease Type A; NPD-A). Identifiers: Orphanet 77292, MedGen C0268242, MONDO:0009756, OMIM 257200. Disease mechanism: loss of function.
Niemann-Pick disease, type B. Also called: Chronic Visceral ASMD (Niemann-Pick Disease Type B; NPD-B). Identifiers: Orphanet 77293, MedGen C0268243, MONDO:0011871, OMIM 607616. Disease mechanism: loss of function.

Submission:

Labcorp Genetics (formerly Invitae), Labcorp
Classification: Likely pathogenic for Niemann-Pick disease, type B; Niemann-Pick disease, type A. Last evaluated: 2023-05-13. Review status: criteria provided, single submitter. Criteria: Invitae Variant Classification Sherloc (09022015). Collection method: clinical testing. Allele origin: germline.
Comment: This variant disrupts the p.Pro430 amino acid residue in SMPD1. Other variant(s) that disrupt this residue have been determined to be pathogenic (PMID: 23356216; Invitae). This suggests that this residue is clinically significant, and that variants that disrupt this residue are likely to be disease-causing. In summary, the currently available evidence indicates that the variant is pathogenic, but additional data are needed to prove that conclusively. Therefore, this variant has been classified as Likely Pathogenic. This sequence change replaces proline, which is neutral and non-polar, with leucine, which is neutral and non-polar, at codon 430 of the SMPD1 protein (p.Pro430Leu). This variant is not present in population databases (gnomAD no frequency). This variant has not been reported in the literature in individuals affected with SMPD1-related conditions. Advanced modeling of protein sequence and biophysical properties (such as structural, functional, and spatial information, amino acid conservation, physicochemical variation, residue mobility, and thermodynamic stability) performed at Invitae indicates that this missense variant is expected to disrupt SMPD1 protein function.

Literature cited by the submitters: PubMed 23356216.